The following is an entry in ClinVar:

ClinVar aggregate classification (germline): Likely pathogenic. Review status: criteria provided, multiple submitters, no conflicts (2 of 4 stars). 2 submissions from 2 submitters: Likely pathogenic (2). Last evaluated 2024-04-03.

Conditions:
Biotin-responsive basal ganglia disease (BTBGD). Also called: Thiamine metabolism dysfunction syndrome 2 (biotin- or thiamine-responsive encephalopathy type 2); thiamine-responsive encephalopathy; Thiamine Transporter-2 Deficiency; Thiamine metabolism dysfunction syndrome type 2; THIAMINE METABOLISM DYSFUNCTION SYNDROME 2 (BIOTIN- AND THIAMINE-RESPONSIVE TYPE). Identifiers: Orphanet 199348, Orphanet 65284, MedGen C1843807, MONDO:0011841, OMIM 607483.

Allele frequency attached by ClinVar (database versions not stated): gnomAD exomes below 0.00001.

Submissions (2):

Fulgent Genetics
Classification: Likely pathogenic for Biotin-responsive basal ganglia disease. Last evaluated: 2024-04-03. Review status: criteria provided, single submitter. Criteria: ACMG Guidelines, 2015. Collection method: clinical testing. Allele origin: germline.

Labcorp Genetics (formerly Invitae), Labcorp
Classification: Likely pathogenic for Biotin-responsive basal ganglia disease. Last evaluated: 2023-06-14. Review status: criteria provided, single submitter. Criteria: Invitae Variant Classification Sherloc (09022015). Collection method: clinical testing. Allele origin: germline.
Comment: This sequence change affects the initiator methionine of the SLC19A3 mRNA. The next in-frame methionine is located at codon 27. This variant is not present in population databases (gnomAD no frequency). Disruption of the initiator codon has been observed in individual(s) with thiamine metabolism dysfunction syndrome (PMID: 32600842, 34276785). It has also been observed to segregate with disease in related individuals. This variant disrupts a region of the SLC19A3 protein in which other variant(s) (p.Pro15Leu) have been observed in individuals with SLC19A3-related conditions (PMID: 34276785). This suggests that this is a clinically significant region of the protein, and that variants that disrupt it are likely to be disease-causing. In summary, the currently available evidence indicates that the variant is pathogenic, but additional data are needed to prove that conclusively. Therefore, this variant has been classified as Likely Pathogenic.

Literature cited by the submitters: PubMed 32600842 (cited by Labcorp Genetics (formerly Invitae), Labcorp); PubMed 34276785 (cited by Labcorp Genetics (formerly Invitae), Labcorp).

NM_025243.4(SLC19A3):c.1A>C (p.Met1Leu)

Gene: SLC19A3 (solute carrier family 19 member 3; minus strand). Cytogenetic location: 2q36.3.
Variant type: single nucleotide variant.
Coding change: c.1A>C on transcript NM_025243.4 (MANE Select); coding-DNA position 1, A replaced by C.
Protein change: p.Met1Leu; changes the start codon (methionine 1).
Molecular consequence: missense variant, initiator codon variant. On other transcripts: 5 prime UTR variant (2).
Genome position (GRCh38, 1-based): chr2:227,702,318, T>G on the plus strand (A>C on the coding strand, the complement: SLC19A3 is on the minus strand). VCF-style: chr2-227702318-T-G. GRCh37 (hg19) VCF-style: chr2-228567034-T-G.
Other names: c.1A>C, p.Met1Leu (NM_001371411.1, NM_001371412.1); c.-208A>C (NM_001371413.1, NM_001371414.1); short protein forms M1L.
Identifiers: ClinVar variation 2693251 (VCV002693251.4), dbSNP rs2470581081, ClinGen allele CA350878164.